The following is an entry in ClinVar:

NM_198506.5(LRIT3):c.47G>A (p.Gly16Glu)

Gene: LRIT3 (leucine rich repeat, Ig-like and transmembrane domains 3; plus strand). Cytogenetic location: 4q25.
Variant type: single nucleotide variant.
Coding change: c.47G>A on transcript NM_198506.5 (MANE Select); coding-DNA position 47, G replaced by A.
Protein change: p.Gly16Glu; replaces glycine 16 with glutamic acid.
Molecular consequence: missense variant.
Genome position (GRCh38, 1-based): chr4:109,848,248, G>A. VCF-style: chr4-109848248-G-A. GRCh37 (hg19) VCF-style: chr4-110769404-G-A.
Other names: short protein forms G16E.
Identifiers: ClinVar variation 2201253 (VCV002201253.2), dbSNP rs1399633454, ClinGen allele CA357869800.

ClinVar aggregate classification (germline): Uncertain significance. Review status: criteria provided, multiple submitters, no conflicts (2 of 4 stars). 2 submissions from 2 submitters: Uncertain significance (2). Last evaluated 2022-03-14.

Allele frequency attached by ClinVar (database versions not stated): gnomAD 0.00003; gnomAD exomes 0.00003.
gnomAD v4.1: 32 of 1,231,992 alleles (0.0026%); highest among the groups gnomAD compares: African/African-American, 0.0031%; no homozygotes.

Submissions (2):

Labcorp Genetics (formerly Invitae), Labcorp
Classification: Uncertain significance. Last evaluated: 2022-03-14. Review status: criteria provided, single submitter. Criteria: Invitae Variant Classification Sherloc (09022015). Collection method: clinical testing. Allele origin: germline.
Comment: This sequence change replaces glycine, which is neutral and non-polar, with glutamic acid, which is acidic and polar, at codon 16 of the LRIT3 protein (p.Gly16Glu). This variant is present in population databases (no rsID available, gnomAD 0.007%). This variant has not been reported in the literature in individuals affected with LRIT3-related conditions. Algorithms developed to predict the effect of missense changes on protein structure and function output the following: SIFT: "Tolerated"; PolyPhen-2: "Benign"; Align-GVGD: "Class C0". The glutamic acid amino acid residue is found in multiple mammalian species, which suggests that this missense change does not adversely affect protein function. In summary, the available evidence is currently insufficient to determine the role of this variant in disease. Therefore, it has been classified as a Variant of Uncertain Significance.

Blueprint Genetics
Classification: Uncertain significance. Last evaluated: 2019-12-20. Review status: criteria provided, single submitter. Criteria: ACMG Guidelines, 2015. Collection method: clinical testing. Allele origin: germline.